The following is an entry in ClinVar:

ClinVar aggregate classification (germline): Likely pathogenic (1 of 4 stars; one submission).

Submission:

GeneDx
Classification: Likely pathogenic. Last evaluated: 2017-10-20. Review status: criteria provided, single submitter. Criteria: GeneDx Variant Classification (06012015). Collection method: clinical testing. Allele origin: germline. Affected: yes.
Comment: The S244A variant has not been published as a pathogenic variant, nor has it been reported as a benign variant to our knowledge. The S244A variant is not observed in large population cohorts (Lek et al., 2016; 1000 Genomes Consortium et al., 2015; Exome Variant Server). The S244A variant is a non-conservative amino acid substitution, which is likely to impact secondary protein structure as these residues differ in polarity, charge, size and/or other properties. This substitution occurs at a position that is conserved across species. In silico analysis predicts this variant is probably damaging to the protein structure/function.

NM_002755.4(MAP2K1):c.730T>G (p.Ser244Ala)

Gene: MAP2K1 (mitogen-activated protein kinase kinase 1; plus strand). Cytogenetic location: 15q22.31.
Variant type: single nucleotide variant.
Coding change: c.730T>G on transcript NM_002755.4 (MANE Select); coding-DNA position 730, T replaced by G.
Protein change: p.Ser244Ala; replaces serine 244 with alanine.
Molecular consequence: missense variant.
Genome position (GRCh38, 1-based): chr15:66,485,026, T>G. VCF-style: chr15-66485026-T-G. GRCh37 (hg19) VCF-style: chr15-66777364-T-G.
Other names: p.S244A:TCA>GCA; short protein forms S244A.
Identifiers: ClinVar variation 40755 (VCV000040755.2), dbSNP rs730880507, ClinGen allele CA296122.